The following is an entry in ClinVar:

NM_013450.4(BAZ2B):c.2738C>T (p.Ala913Val)

Gene: BAZ2B (bromodomain adjacent to zinc finger domain 2B; minus strand). Cytogenetic location: 2q24.2.
Variant type: single nucleotide variant.
Coding change: c.2738C>T on transcript NM_013450.4 (MANE Select); coding-DNA position 2738, C replaced by T.
Protein change: p.Ala913Val; replaces alanine 913 with valine.
Molecular consequence: missense variant.
Genome position (GRCh38, 1-based): chr2:159,405,054, G>A on the plus strand (C>T on the coding strand, the complement: BAZ2B is on the minus strand). VCF-style: chr2-159405054-G-A. GRCh37 (hg19) VCF-style: chr2-160261565-G-A.
Other names: NC_000002.11:g.160261565G>A; c.2630C>T, p.Ala877Val (NM_001289975.1); c.2549C>T, p.Ala850Val (NM_001329857.2); c.2636C>T, p.Ala879Val (NM_001329858.2); short protein forms A877V, A879V, A913V, A850V.
Identifiers: ClinVar variation 3133095 (VCV003133095.15), dbSNP rs200551916, ClinGen allele CA1924590.

ClinVar aggregate classification (germline): Likely benign. Review status: criteria provided, multiple submitters, no conflicts (2 of 4 stars). 2 submissions from 2 submitters: Likely benign (2). Last evaluated 2026-02-01.

Conditions:
Inborn genetic diseases. Identifiers: MedGen C0950123, MeSH D030342.

Allele frequency attached by ClinVar (database versions not stated): 1000 Genomes Project 30x 0.00016; 1000 Genomes Project 0.00020; TOPMed 0.00046; gnomAD 0.00048; ESP Exome Variant Server 0.00051; ExAC 0.00059; gnomAD exomes 0.00080.
gnomAD v4.1: 1,214 of 1,614,046 alleles (0.075%); highest among the groups gnomAD compares: Non-Finnish European, 0.096%; 1 homozygote.

Submissions (5):

CeGaT Center for Human Genetics Tuebingen
Classification: Likely benign. Last evaluated: 2026-02-01. Review status: criteria provided, single submitter. Criteria: CeGaT Center For Human Genetics Tuebingen Variant Classification Criteria Version 2. Collection method: clinical testing. Allele origin: germline. Affected: yes. Observed: 4 variant alleles.
Comment: BAZ2B: BS2

Ambry Genetics
Classification: Likely benign for Inborn genetic diseases. Last evaluated: 2022-05-26. Review status: criteria provided, single submitter. Criteria: Ambry Variant Classification Scheme 2023. Collection method: clinical testing. Allele origin: germline.

Dr. Peter K. Rogan Lab, Western University
No classification provided (evidence only). Condition: Clear cell carcinoma of kidney. Review status: no classification provided. Collection method: in vitro. Allele origin: not applicable. Functional consequence: retained intron. Not counted in ClinVar's aggregate classification.

Dr. Peter K. Rogan Lab, Western University
No classification provided (evidence only). Condition: Familial cancer of breast. Review status: no classification provided. Collection method: in vitro. Allele origin: not applicable. Functional consequence: retained intron. Not counted in ClinVar's aggregate classification.

Dr. Peter K. Rogan Lab, Western University
No classification provided (evidence only). Condition: Cervical cancer. Review status: no classification provided. Collection method: in vitro. Allele origin: not applicable. Functional consequence: retained intron. Not counted in ClinVar's aggregate classification.